The following is an entry in ClinVar:

ClinVar aggregate classification (germline): Likely benign. Review status: criteria provided, multiple submitters, no conflicts (2 of 4 stars). 3 submissions from 3 submitters: Likely benign (3). Last evaluated 2025-04-01.

Allele frequency attached by ClinVar (database versions not stated): 1000 Genomes Project 30x 0.00031; 1000 Genomes Project 0.00040; ExAC 0.00058; ESP Exome Variant Server 0.00062; TOPMed 0.00064; gnomAD 0.00069; gnomAD exomes 0.00069.
gnomAD v4.1: 2,237 of 1,611,558 alleles (0.14%); highest among the groups gnomAD compares: Non-Finnish European, 0.18%; 4 homozygotes.

Submissions (3):

CeGaT Center for Human Genetics Tuebingen
Classification: Likely benign. Last evaluated: 2025-04-01. Review status: criteria provided, single submitter. Criteria: CeGaT Center For Human Genetics Tuebingen Variant Classification Criteria Version 2. Collection method: clinical testing. Allele origin: germline. Affected: yes. Observed: 1 variant allele.
Comment: NELL1: BP4, BP7

Labcorp Genetics (formerly Invitae), Labcorp
Classification: Likely benign. Last evaluated: 2017-06-21. Review status: criteria provided, single submitter. Criteria: Invitae Variant Classification Sherloc (09022015). Collection method: clinical testing. Allele origin: germline.

Breakthrough Genomics
Classification: Likely benign. Review status: criteria provided, single submitter. Criteria: ACMG Guidelines, 2015. Collection method: not provided. Allele origin: germline. Inheritance: Unknown mechanism. Affected: yes.

NM_006157.5(NELL1):c.1617T>A (p.Ser539=)

Gene: NELL1 (neural EGFL like 1; plus strand). Cytogenetic location: 11p15.1.
Variant type: single nucleotide variant.
Coding change: c.1617T>A on transcript NM_006157.5 (MANE Select); coding-DNA position 1617, T replaced by A.
Protein change: p.Ser539=; no amino-acid change (serine 539 retained).
Molecular consequence: synonymous variant.
Genome position (GRCh38, 1-based): chr11:21,370,920, T>A. VCF-style: chr11-21370920-T-A. GRCh37 (hg19) VCF-style: chr11-21392466-T-A.
Other names: c.1701T>A, p.Ser567= (NM_001288713.1); c.1446T>A, p.Ser482= (NM_001288714.1); c.1617T>A, p.Ser539= (NM_201551.2).
Identifiers: ClinVar variation 780142 (VCV000780142.14), dbSNP rs141998941, ClinGen allele CA5922452.